The following is an entry in ClinVar:

ClinVar aggregate classification (germline): Uncertain significance (1 of 4 stars; one submission).

Conditions:
Epilepsy. Also called: Seizure disorder. Identifiers: MedGen C0014544, MeSH D004827, MONDO:0005027.

Allele frequency attached by ClinVar (database versions not stated): ExAC 0.00001; gnomAD exomes 0.00002; TOPMed 0.00003; gnomAD 0.00004.
gnomAD v4.1: 39 of 1,613,508 alleles (0.0024%); highest among the groups gnomAD compares: Non-Finnish European, 0.003%; no homozygotes.

Submission:

Labcorp Genetics (formerly Invitae), Labcorp
Classification: Uncertain significance for Epilepsy. Last evaluated: 2023-09-27. Review status: criteria provided, single submitter. Criteria: Invitae Variant Classification Sherloc (09022015). Collection method: clinical testing. Allele origin: germline.
Comment: This sequence change replaces alanine, which is neutral and non-polar, with valine, which is neutral and non-polar, at codon 393 of the PIGQ protein (p.Ala393Val). In summary, the available evidence is currently insufficient to determine the role of this variant in disease. Therefore, it has been classified as a Variant of Uncertain Significance. An algorithm developed to predict the effect of missense changes on protein structure and function (PolyPhen-2) suggests that this variant is likely to be disruptive. ClinVar contains an entry for this variant (Variation ID: 2065072). This variant has not been reported in the literature in individuals affected with PIGQ-related conditions. This variant is present in population databases (rs770572410, gnomAD 0.007%).

NM_004204.5(PIGQ):c.1178C>T (p.Ala393Val)

Gene: PIGQ (phosphatidylinositol glycan anchor biosynthesis class Q; plus strand). Cytogenetic location: 16p13.3.
Variant type: single nucleotide variant.
Coding change: c.1178C>T on transcript NM_004204.5 (MANE Select); coding-DNA position 1178, C replaced by T.
Protein change: p.Ala393Val; replaces alanine 393 with valine.
Molecular consequence: missense variant.
Genome position (GRCh38, 1-based): chr16:578,893, C>T. VCF-style: chr16-578893-C-T. GRCh37 (hg19) VCF-style: chr16-628893-C-T.
Other names: c.1178C>T, p.Ala393Val (NM_148920.4); short protein forms A393V.
Identifiers: ClinVar variation 2065072 (VCV002065072.4), dbSNP rs770572410, ClinGen allele CA7780140.